The following is an entry in ClinVar:

ClinVar aggregate classification (germline): Benign. Review status: criteria provided, multiple submitters, no conflicts (2 of 4 stars). 20 submissions from 18 submitters: Benign (13). 7 of the submissions do not count toward it. Last evaluated 2026-02-04.

Conditions:
Amyotrophic lateral sclerosis type 4 (ALS4). Also called: AMYOTROPHIC LATERAL SCLEROSIS 4, JUVENILE; NEURONOPATHY, DISTAL HEREDITARY MOTOR, WITH PYRAMIDAL FEATURES. Identifiers: Orphanet 357043, MedGen C1865409, MONDO:0011223, OMIM 602433.
Spinocerebellar ataxia, autosomal recessive, with axonal neuropathy 2 (SCAN2). Also called: Ataxia-ocular apraxia-2; Ataxia with Oculomotor Apraxia Type 2; ATAXIA-OCULOMOTOR APRAXIA 2; Ataxia with Oculomotor Apraxia. Identifiers: Orphanet 64753, MedGen C1853761, MONDO:0018996, OMIM 606002.

Allele frequency attached by ClinVar (database versions not stated): 1000 Genomes Project 0.55611; gnomAD 0.68049; ExAC 0.72516; 1000 Genomes Project 30x 0.55715; TOPMed 0.66539; ESP Exome Variant Server 0.69376.
gnomAD v4.1: 1,276,412 of 1,613,932 alleles (79%); highest among the groups gnomAD compares: Non-Finnish European, 85%; 520,902 homozygotes.

Submissions (20):

Labcorp Genetics (formerly Invitae), Labcorp
Classification: Benign for Amyotrophic lateral sclerosis type 4; Spinocerebellar ataxia, autosomal recessive, with axonal neuropathy 2. Last evaluated: 2026-02-04. Review status: criteria provided, single submitter. Criteria: Invitae Variant Classification Sherloc (09022015). Collection method: clinical testing. Allele origin: germline.

Blueprint Genetics
Classification: Benign. Last evaluated: 2024-11-27. Review status: criteria provided, single submitter. Criteria: ACMG Guidelines, 2015. Collection method: clinical testing. Allele origin: germline.

Genome-Nilou Lab
Classification: Benign for Amyotrophic lateral sclerosis type 4. Last evaluated: 2021-07-15. Review status: criteria provided, single submitter. Criteria: ACMG Guidelines, 2015. Collection method: clinical testing. Allele origin: germline. Affected: no.

Genome-Nilou Lab
Classification: Benign for Spinocerebellar ataxia, autosomal recessive, with axonal neuropathy 2. Last evaluated: 2021-07-15. Review status: criteria provided, single submitter. Criteria: ACMG Guidelines, 2015. Collection method: clinical testing. Allele origin: germline. Affected: no.

GeneDx
Classification: Benign. Last evaluated: 2018-08-13. Review status: criteria provided, single submitter. Criteria: GeneDx Variant Classification Process June 2021. Collection method: clinical testing. Allele origin: germline. Affected: yes.

Illumina Laboratory Services, Illumina
Classification: Benign for Amyotrophic lateral sclerosis type 4. Last evaluated: 2018-01-13. Review status: criteria provided, single submitter. Criteria: ICSL Variant Classification Criteria 13 December 2019. Collection method: clinical testing. Allele origin: germline.
Comment: This variant was observed in the ICSL laboratory as part of a predisposition screen in an ostensibly healthy population. It had not been previously curated by ICSL or reported in the Human Gene Mutation Database (HGMD: prior to June 1st, 2018), and was therefore a candidate for classification through an automated scoring system. Utilizing variant allele frequency, disease prevalence and penetrance estimates, and inheritance mode, an automated score was calculated to assess if this variant is too frequent to cause the disease. Based on the score and internal cut-off values, a variant classified as benign is not then subjected to further curation. The score for this variant resulted in a classification of benign for this disease.

Illumina Laboratory Services, Illumina
Classification: Benign for Spinocerebellar ataxia, autosomal recessive, with axonal neuropathy 2. Last evaluated: 2018-01-13. Review status: criteria provided, single submitter. Criteria: ICSL Variant Classification Criteria 13 December 2019. Collection method: clinical testing. Allele origin: germline.
Comment: the same text as in the submission from Illumina Laboratory Services, Illumina above.

Athena Diagnostics
Classification: Benign. Last evaluated: 2017-11-17. Review status: criteria provided, single submitter. Criteria: Athena Diagnostics Criteria. Collection method: clinical testing. Allele origin: germline.

Laboratory for Molecular Medicine, Mass General Brigham Personalized Medicine
Classification: Benign. Last evaluated: 2016-03-29. Review status: criteria provided, single submitter. Criteria: LMM Criteria. Collection method: clinical testing. Allele origin: germline.
Comment: Variant identified in a genome or exome case(s) and assessed due to predicted null impact of the variant or pathogenic assertions in the literature or databases. Disclaimer: This variant has not undergone full assessment. The following are preliminary notes: Frequency, 2 labs classify as benign/LB in clinvar

Mayo Clinic Laboratories, Mayo Clinic
Classification: Benign. Last evaluated: 2015-09-09. Review status: criteria provided, single submitter. Criteria: ACMG Guidelines, 2015. Collection method: clinical testing. Allele origin: germline. Observed: 2,542 variant alleles.

Eurofins Ntd Llc (ga)
Classification: Benign. Last evaluated: 2013-07-24. Review status: criteria provided, single submitter. Criteria: EGL Classification Definitions 2015. Collection method: clinical testing. Allele origin: germline. Observed: 7 variant alleles, 2 heterozygotes, 5 homozygotes.

Breakthrough Genomics
Classification: Benign. Review status: criteria provided, single submitter. Criteria: ACMG Guidelines, 2015. Collection method: not provided. Allele origin: germline. Inheritance: Autosomal recessive inheritance. Affected: yes.

PreventionGenetics, part of Exact Sciences
Classification: Benign. Review status: criteria provided, single submitter. Criteria: ACMG Guidelines, 2015. Collection method: clinical testing. Allele origin: germline.

Clinical Genetics DNA and cytogenetics Diagnostics Lab, Erasmus MC, Erasmus Medical Center
Classification: Benign. Review status: no assertion criteria provided. Collection method: clinical testing. Allele origin: germline. Affected: yes. Study: VKGL Data-share Consensus. Not counted in ClinVar's aggregate classification.

Clinical Genetics, Academic Medical Center
Classification: Benign. Review status: no assertion criteria provided. Collection method: clinical testing. Allele origin: germline. Affected: yes. Study: VKGL Data-share Consensus. Not counted in ClinVar's aggregate classification.

Diagnostic Laboratory, Department of Genetics, University Medical Center Groningen
Classification: Benign. Review status: no assertion criteria provided. Collection method: clinical testing. Allele origin: germline. Affected: yes. Study: VKGL Data-share Consensus. Not counted in ClinVar's aggregate classification.

Genetic Services Laboratory, University of Chicago
Classification: Likely benign for AllHighlyPenetrant. Review status: no assertion criteria provided. Collection method: clinical testing. Allele origin: germline. Not counted in ClinVar's aggregate classification.
Comment: Likely benign based on allele frequency in 1000 Genomes Project or ESP global frequency and its presence in a patient with a rare or unrelated disease phenotype. NOT Sanger confirmed.

Genome Diagnostics Laboratory, Amsterdam University Medical Center
Classification: Benign. Review status: no assertion criteria provided. Collection method: clinical testing. Allele origin: germline. Affected: yes. Study: VKGL Data-share Consensus. Not counted in ClinVar's aggregate classification.

Genome Diagnostics Laboratory, University Medical Center Utrecht
Classification: Benign. Review status: no assertion criteria provided. Collection method: clinical testing. Allele origin: germline. Affected: yes. Study: VKGL Data-share Consensus. Not counted in ClinVar's aggregate classification.

Joint Genome Diagnostic Labs from Nijmegen and Maastricht, Radboudumc and MUMC+
Classification: Benign. Review status: no assertion criteria provided. Collection method: clinical testing. Allele origin: germline. Affected: yes. Study: VKGL Data-share Consensus. Not counted in ClinVar's aggregate classification.

NM_015046.7(SETX):c.4156A>G (p.Ile1386Val)

Gene: SETX (senataxin; minus strand). Cytogenetic location: 9q34.13.
Variant type: single nucleotide variant.
Coding change: c.4156A>G on transcript NM_015046.7 (MANE Select); coding-DNA position 4156, A replaced by G.
Protein change: p.Ile1386Val; replaces isoleucine 1386 with valine.
Molecular consequence: missense variant.
Genome position (GRCh38, 1-based): chr9:132,327,442, T>C on the plus strand (A>G on the coding strand, the complement: SETX is on the minus strand). VCF-style: chr9-132327442-T-C. GRCh37 (hg19) VCF-style: chr9-135202829-T-C.
Other names: c.4156A>G, p.Ile1386Val (NM_001351527.2, NM_001351528.2); short protein forms I1386V.
Identifiers: ClinVar variation 95663 (VCV000095663.72), dbSNP rs543573, ClinGen allele CA148719.